The following is an entry in ClinVar:

ClinVar aggregate classification (germline): Likely benign. Review status: criteria provided, single submitter (1 of 4 stars). 2 submissions from 2 submitters: Likely benign (1). 1 of the submissions does not count toward it. Last evaluated 2025-12-01.

Conditions:
SIGMAR1-related disorder. Also called: SIGMAR1-related condition.
Amyotrophic lateral sclerosis type 16. Also called: AMYOTROPHIC LATERAL SCLEROSIS 16, JUVENILE. Identifiers: Orphanet 300605, MedGen C3280587, MONDO:0013715, OMIM 614373.
Autosomal recessive distal spinal muscular atrophy 2. Also called: NEUROPATHY, DISTAL HEREDITARY MOTOR, AUTOSOMAL RECESSIVE 2; NEURONOPATHY, DISTAL HEREDITARY MOTOR, JERASH TYPE; NEUROPATHY, DISTAL HEREDITARY MOTOR, JERASH TYPE; SPINAL MUSCULAR ATROPHY, JERASH TYPE; Hereditary motor neuropathy, Jerash type; Motor neuropathy, distal, Jerash type. Identifiers: Orphanet 139552, MedGen C1854023, MONDO:0011585, OMIM 605726.

Allele frequency attached by ClinVar (database versions not stated): TOPMed 0.00003; gnomAD exomes 0.00007 and 0.00005; gnomAD 0.00004 and 0.00003; ExAC 0.00008; ESP Exome Variant Server 0.00015.
gnomAD v4.1: 76 of 1,613,948 alleles (0.0047%); highest among the groups gnomAD compares: Non-Finnish European, 0.0063%; no homozygotes.

Submissions (2):

Labcorp Genetics (formerly Invitae), Labcorp
Classification: Likely benign for Autosomal recessive distal spinal muscular atrophy 2; Amyotrophic lateral sclerosis type 16. Last evaluated: 2025-12-01. Review status: criteria provided, single submitter. Criteria: Invitae Variant Classification Sherloc (09022015). Collection method: clinical testing. Allele origin: germline.

PreventionGenetics, part of Exact Sciences
Classification: Likely benign for SIGMAR1-related condition. Last evaluated: 2020-02-12. Review status: no assertion criteria provided. Collection method: clinical testing. Allele origin: germline. Not counted in ClinVar's aggregate classification.
Comment: This variant is classified as likely benign based on ACMG/AMP sequence variant interpretation guidelines (Richards et al. 2015 PMID: 25741868, with internal and published modifications).

NM_005866.4(SIGMAR1):c.456A>G (p.Val152=)

Gene: SIGMAR1 (sigma receptor chaperone 1; minus strand). Cytogenetic location: 9p13.3.
Variant type: single nucleotide variant.
Coding change: c.456A>G on transcript NM_005866.4 (MANE Select); coding-DNA position 456, A replaced by G.
Protein change: p.Val152=; no amino-acid change (valine 152 retained).
Molecular consequence: synonymous variant. On other transcripts: stop lost (1), missense variant (1), non-coding transcript variant (1), intron variant (1).
Genome position (GRCh38, 1-based): chr9:34,635,848, T>C on the plus strand (A>G on the coding strand, the complement: SIGMAR1 is on the minus strand). VCF-style: chr9-34635848-T-C. GRCh37 (hg19) VCF-style: chr9-34635845-T-C.
Other names: c.156A>G, p.Val52= (NM_001282206.2); c.396A>G, p.Val132= (NM_001282207.2); c.479A>G, p.Ter160Trp (NM_001282208.2); c.316A>G, p.Ser106Gly (NM_001282209.2); c.363A>G, p.Val121= (NM_147157.3); c.446-208A>G (NM_001282205.2); c.479A>G (NM_001282208.1); short protein forms S106G.
Identifiers: ClinVar variation 1094020 (VCV001094020.11), dbSNP rs144813067, ClinGen allele CA5035853.